The following is an entry in ClinVar:

NM_014915.3(ANKRD26):c.1736A>T (p.Asp579Val)

Gene: ANKRD26 (ankyrin repeat domain 26; minus strand). Cytogenetic location: 10p12.1.
Variant type: single nucleotide variant.
Coding change: c.1736A>T on transcript NM_014915.3 (MANE Select); coding-DNA position 1736, A replaced by T.
Protein change: p.Asp579Val; replaces aspartic acid 579 with valine.
Molecular consequence: missense variant.
Genome position (GRCh38, 1-based): chr10:27,048,879, T>A on the plus strand (A>T on the coding strand, the complement: ANKRD26 is on the minus strand). VCF-style: chr10-27048879-T-A. GRCh37 (hg19) VCF-style: chr10-27337808-T-A.
Other names: c.1736A>T, p.Asp579Val (NM_001256053.2); short protein forms D579V.
Identifiers: ClinVar variation 5022889 (VCV005022889.1).

ClinVar aggregate classification (germline): Uncertain significance (1 of 4 stars; one submission).

Conditions:
Inborn genetic diseases. Identifiers: MedGen C0950123, MeSH D030342.

Submission:

Ambry Genetics
Classification: Uncertain significance for Inborn genetic diseases. Last evaluated: 2026-06-24. Review status: criteria provided, single submitter. Criteria: Ambry Variant Classification Scheme 2023. Collection method: clinical testing. Allele origin: germline.
Comment: The p.D579V variant (also known as c.1736A>T), located in coding exon 17 of the ANKRD26 gene, results from an A to T substitution at nucleotide position 1736. The aspartic acid at codon 579 is replaced by valine, an amino acid with highly dissimilar properties. This amino acid position is conserved. In addition, this alteration is predicted to be tolerated by in silico analysis. Based on the available evidence, the clinical significance of this variant remains unclear.